The following is an entry in ClinVar:

ClinVar aggregate classification (germline): Uncertain significance. Review status: criteria provided, multiple submitters, no conflicts (2 of 4 stars). 4 submissions from 3 submitters: Uncertain significance (4). Last evaluated 2023-04-11.

Conditions:
Pontocerebellar hypoplasia type 9. Identifiers: Orphanet 369920, MedGen C4014354, MONDO:0014351, OMIM 615809.
Hereditary spastic paraplegia 63. Also called: Spastic paraplegia 63, autosomal recessive. Identifiers: Orphanet 401805, MedGen C3810295, MONDO:0014305, OMIM 615686.

gnomAD v4.1: 52 of 1,591,382 alleles (0.0033%); highest among the groups gnomAD compares: South Asian, 0.058%; no homozygotes.

Submissions (4):

Genome-Nilou Lab
Classification: Uncertain significance for Hereditary spastic paraplegia 63. Last evaluated: 2023-04-11. Review status: criteria provided, single submitter. Criteria: ACMG Guidelines, 2015. Collection method: clinical testing. Allele origin: germline. Affected: no.

Genome-Nilou Lab
Classification: Uncertain significance for Pontocerebellar hypoplasia type 9. Last evaluated: 2023-04-11. Review status: criteria provided, single submitter. Criteria: ACMG Guidelines, 2015. Collection method: clinical testing. Allele origin: germline. Affected: no.

Labcorp Genetics (formerly Invitae), Labcorp
Classification: Uncertain significance for Pontocerebellar hypoplasia type 9; Hereditary spastic paraplegia 63. Last evaluated: 2021-12-13. Review status: criteria provided, single submitter. Criteria: Invitae Variant Classification Sherloc (09022015). Collection method: clinical testing. Allele origin: germline.
Comment: In summary, the available evidence is currently insufficient to determine the role of this variant in disease. Therefore, it has been classified as a Variant of Uncertain Significance. Algorithms developed to predict the effect of missense changes on protein structure and function (SIFT, PolyPhen-2, Align-GVGD) all suggest that this variant is likely to be tolerated. ClinVar contains an entry for this variant (Variation ID: 1311823). This variant has not been reported in the literature in individuals affected with AMPD2-related conditions. This variant is present in population databases (rs374652371, gnomAD 0.06%). This sequence change replaces histidine, which is basic and polar, with asparagine, which is neutral and polar, at codon 561 of the AMPD2 protein (p.His561Asn).

GeneDx
Classification: Uncertain significance. Last evaluated: 2020-01-13. Review status: criteria provided, single submitter. Criteria: GeneDx Variant Classification Process June 2021. Collection method: clinical testing. Allele origin: germline. Affected: yes.
Comment: In silico analysis, which includes protein predictors and evolutionary conservation, supports that this variant does not alter protein structure/function; Has not been previously published as pathogenic or benign to our knowledge

NM_001368809.2(AMPD2):c.1519C>A (p.His507Asn)

Genes: AMPD2 (adenosine monophosphate deaminase 2; plus strand), LOC126805822 (BRD4-independent group 4 enhancer GRCh37_chr1:110170748-110171947; plus strand). Cytogenetic location: 1p13.3.
Variant type: single nucleotide variant.
Coding change: c.1519C>A on transcript NM_001368809.2 (MANE Select); coding-DNA position 1519, C replaced by A.
Protein change: p.His507Asn; replaces histidine 507 with asparagine.
Molecular consequence: missense variant.
Genome position (GRCh38, 1-based): chr1:109,628,754, C>A. VCF-style: chr1-109628754-C-A. GRCh37 (hg19) VCF-style: chr1-110171376-C-A.
Other names: c.1681C>A (NM_001257360.1); c.1327C>A, p.His443Asn (NM_001257361.2); c.1456C>A, p.His486Asn (NM_001308170.1); c.1519C>A, p.His507Asn (NM_004037.9); c.1438C>A, p.His480Asn (NM_139156.4); short protein forms H443N, H480N, H486N, H507N.
Identifiers: ClinVar variation 1311823 (VCV001311823.7), dbSNP rs374652371, ClinGen allele CA993124.
Genomic context (GRCh38, chr1:109,628,754, plus strand): 5'-CTCTCCATTTACGGGCGCTCGAGGGATGAGTGGGACAAGCTGGCGCGCTGGGCCGTCATG[C>A]ACCGCGTGCACTCCCCCAACGTGCGCTGGCTGGTGCAGGTGCCCCGCCTCTTGTGAGTGT-3'
Protein context (NP_001355738.1, residues 497-517): WDKLARWAVM[His507Asn]RVHSPNVRWL